The following is an entry in ClinVar:

ClinVar aggregate classification (germline): Uncertain significance. Review status: criteria provided, multiple submitters, no conflicts (2 of 4 stars). 2 submissions from 2 submitters: Uncertain significance (2). Last evaluated 2023-12-06.

Allele frequency attached by ClinVar (database versions not stated): TOPMed below 0.00001; gnomAD 0.00001; ExAC 0.00002.
gnomAD v4.1: 4 of 1,614,050 alleles (0.00025%); highest among the groups gnomAD compares: Non-Finnish European, 0.00025%; no homozygotes.

Submissions (2):

Labcorp Genetics (formerly Invitae), Labcorp
Classification: Uncertain significance. Last evaluated: 2023-12-06. Review status: criteria provided, single submitter. Criteria: Invitae Variant Classification Sherloc (09022015). Collection method: clinical testing. Allele origin: germline.
Comment: This sequence change replaces asparagine, which is neutral and polar, with serine, which is neutral and polar, at codon 560 of the A2ML1 protein (p.Asn560Ser). This variant is present in population databases (rs751671669, gnomAD 0.002%). This variant has not been reported in the literature in individuals affected with A2ML1-related conditions. ClinVar contains an entry for this variant (Variation ID: 2314648). Algorithms developed to predict the effect of missense changes on protein structure and function output the following: SIFT: "Not Available"; PolyPhen-2: "Probably Damaging"; Align-GVGD: "Not Available". The serine amino acid residue is found in multiple mammalian species, which suggests that this missense change does not adversely affect protein function. In summary, the available evidence is currently insufficient to determine the role of this variant in disease. Therefore, it has been classified as a Variant of Uncertain Significance.

Ambry Genetics
Classification: Uncertain significance. Last evaluated: 2022-09-29. Review status: criteria provided, single submitter. Criteria: Ambry Variant Classification Scheme 2023. Collection method: clinical testing. Allele origin: germline.

NM_144670.6(A2ML1):c.1679A>G (p.Asn560Ser)

Gene: A2ML1 (alpha-2-macroglobulin like 1; plus strand). Cytogenetic location: 12p13.31.
Variant type: single nucleotide variant.
Coding change: c.1679A>G on transcript NM_144670.6 (MANE Select); coding-DNA position 1679, A replaced by G.
Protein change: p.Asn560Ser; replaces asparagine 560 with serine.
Molecular consequence: missense variant.
Genome position (GRCh38, 1-based): chr12:8,846,218, A>G. VCF-style: chr12-8846218-A-G. GRCh37 (hg19) VCF-style: chr12-8998814-A-G.
Other names: c.206A>G, p.Asn69Ser (NM_001282424.3); short protein forms N560S, N69S.
Identifiers: ClinVar variation 2314648 (VCV002314648.5), dbSNP rs751671669, ClinGen allele CA6435763.